The following is an entry in ClinVar:

NM_006227.4(PLTP):c.1034C>T (p.Ser345Phe)

Gene: PLTP (phospholipid transfer protein; minus strand). Cytogenetic location: 20q13.12.
Variant type: single nucleotide variant.
Coding change: c.1034C>T on transcript NM_006227.4 (MANE Select); coding-DNA position 1034, C replaced by T.
Protein change: p.Ser345Phe; replaces serine 345 with phenylalanine.
Molecular consequence: missense variant.
Genome position (GRCh38, 1-based): chr20:45,902,513, G>A on the plus strand (C>T on the coding strand, the complement: PLTP is on the minus strand). VCF-style: chr20-45902513-G-A. GRCh37 (hg19) VCF-style: chr20-44531152-G-A.
Other names: c.749C>T, p.Ser250Phe (NM_001242920.2); c.770C>T, p.Ser257Phe (NM_001242921.1); c.878C>T, p.Ser293Phe (NM_182676.3); short protein forms S250F, S257F, S293F, S345F.
Identifiers: ClinVar variation 2470439 (VCV002470439.26), dbSNP rs377317376, ClinGen allele CA9883639.

ClinVar aggregate classification (germline): Uncertain significance. Review status: criteria provided, multiple submitters, no conflicts (2 of 4 stars). 3 submissions from 3 submitters: Uncertain significance (3). Last evaluated 2024-09-26.

Allele frequency attached by ClinVar (database versions not stated): TOPMed 0.00001; gnomAD exomes 0.00002; ExAC 0.00003; gnomAD 0.00003; ESP Exome Variant Server 0.00015.
gnomAD v4.1: 39 of 1,614,082 alleles (0.0024%); highest among the groups gnomAD compares: Non-Finnish European, 0.0031%; no homozygotes.

Submissions (3):

Labcorp Genetics (formerly Invitae), Labcorp
Classification: Uncertain significance. Last evaluated: 2024-09-26. Review status: criteria provided, single submitter. Criteria: Invitae Variant Classification Sherloc (09022015). Collection method: clinical testing. Allele origin: germline.
Comment: This sequence change replaces serine, which is neutral and polar, with phenylalanine, which is neutral and non-polar, at codon 345 of the PLTP protein (p.Ser345Phe). This variant is present in population databases (rs377317376, gnomAD 0.008%). This variant has not been reported in the literature in individuals affected with PLTP-related conditions. ClinVar contains an entry for this variant (Variation ID: 2470439). An algorithm developed to predict the effect of missense changes on protein structure and function (PolyPhen-2) suggests that this variant is likely to be tolerated. In summary, the available evidence is currently insufficient to determine the role of this variant in disease. Therefore, it has been classified as a Variant of Uncertain Significance.

CeGaT Center for Human Genetics Tuebingen
Classification: Uncertain significance. Last evaluated: 2024-02-01. Review status: criteria provided, single submitter. Criteria: CeGaT Center For Human Genetics Tuebingen Variant Classification Criteria Version 2. Collection method: clinical testing. Allele origin: germline. Affected: yes. Observed: 1 variant allele.
Comment: PLTP: PM2, BP4

Ambry Genetics
Classification: Uncertain significance. Last evaluated: 2023-02-13. Review status: criteria provided, single submitter. Criteria: Ambry Variant Classification Scheme 2023. Collection method: clinical testing. Allele origin: germline.